The following is an entry in ClinVar:

ClinVar aggregate classification (germline): Uncertain significance. Review status: criteria provided, multiple submitters, no conflicts (2 of 4 stars). 4 submissions from 4 submitters: Uncertain significance (4). Last evaluated 2026-03-01.

Conditions:
Inborn genetic diseases. Identifiers: MedGen C0950123, MeSH D030342.
Wilson disease (WND). Also called: Wilson's disease. Identifiers: Orphanet 905, MedGen C0019202, MONDO:0010200, OMIM 277900. Disease mechanism: loss of function.

Allele frequency attached by ClinVar (database versions not stated): TOPMed below 0.00001; ExAC 0.00001; gnomAD 0.00001; gnomAD exomes 0.00002.
gnomAD v4.1: 34 of 1,614,092 alleles (0.0021%); highest among the groups gnomAD compares: Middle Eastern, 0.016%; no homozygotes.

Submissions (4):

CeGaT Center for Human Genetics Tuebingen
Classification: Uncertain significance. Last evaluated: 2026-03-01. Review status: criteria provided, single submitter. Criteria: CeGaT Center For Human Genetics Tuebingen Variant Classification Criteria Version 2. Collection method: clinical testing. Allele origin: germline. Affected: yes. Observed: 1 variant allele.
Comment: ATP7B: PM2, PM5:Supporting

Mayo Clinic Laboratories, Mayo Clinic
Classification: Uncertain significance. Last evaluated: 2023-11-24. Review status: criteria provided, single submitter. Criteria: ACMG Guidelines, 2015. Collection method: clinical testing. Allele origin: germline. Observed: 1 variant allele.

Ambry Genetics
Classification: Uncertain significance for Inborn genetic diseases. Last evaluated: 2022-09-25. Review status: criteria provided, single submitter. Criteria: Ambry Variant Classification Scheme 2023. Collection method: clinical testing. Allele origin: germline.

Labcorp Genetics (formerly Invitae), Labcorp
Classification: Uncertain significance for Wilson disease. Last evaluated: 2022-08-20. Review status: criteria provided, single submitter. Criteria: Invitae Variant Classification Sherloc (09022015). Collection method: clinical testing. Allele origin: germline.
Comment: This sequence change replaces arginine, which is basic and polar, with glutamine, which is neutral and polar, at codon 226 of the ATP7B protein (p.Arg226Gln). This variant is present in population databases (rs201522558, gnomAD 0.003%). This variant has not been reported in the literature in individuals affected with ATP7B-related conditions. Advanced modeling of protein sequence and biophysical properties (such as structural, functional, and spatial information, amino acid conservation, physicochemical variation, residue mobility, and thermodynamic stability) performed at Invitae indicates that this missense variant is not expected to disrupt ATP7B protein function. Algorithms developed to predict the effect of sequence changes on RNA splicing suggest that this variant may create or strengthen a splice site. In summary, the available evidence is currently insufficient to determine the role of this variant in disease. Therefore, it has been classified as a Variant of Uncertain Significance.

NM_000053.4(ATP7B):c.677G>A (p.Arg226Gln)

Gene: ATP7B (ATPase copper transporting beta; minus strand). Cytogenetic location: 13q14.3.
Variant type: single nucleotide variant.
Coding change: c.677G>A on transcript NM_000053.4 (MANE Select); coding-DNA position 677, G replaced by A.
Protein change: p.Arg226Gln; replaces arginine 226 with glutamine.
Molecular consequence: missense variant.
Genome position (GRCh38, 1-based): chr13:51,974,543, C>T on the plus strand (G>A on the coding strand, the complement: ATP7B is on the minus strand). VCF-style: chr13-51974543-C-T. GRCh37 (hg19) VCF-style: chr13-52548679-C-T.
Other names: p.Arg226Gln; c.677G>A, p.Arg226Gln (NM_001005918.3, NM_001243182.2, NM_001330578.2 and 30 more transcripts); c.581G>A, p.Arg194Gln (NM_001406517.1, NM_001406518.1, NM_001406530.1 and 4 more transcripts); c.677G>A (NM_000053.3); short protein forms R226Q, R194Q.
Identifiers: ClinVar variation 2155096 (VCV002155096.7), dbSNP rs201522558, ClinGen allele CA6989516.